The following is an entry in ClinVar:

ClinVar aggregate classification (germline): Uncertain significance (1 of 4 stars; one submission).

Submission:

Labcorp Genetics (formerly Invitae), Labcorp
Classification: Uncertain significance. Last evaluated: 2024-10-16. Review status: criteria provided, single submitter. Criteria: Invitae Variant Classification Sherloc (09022015). Collection method: clinical testing. Allele origin: germline.
Comment: This sequence change replaces histidine, which is basic and polar, with tyrosine, which is neutral and polar, at codon 265 of the XYLT2 protein (p.His265Tyr). This variant is not present in population databases (gnomAD no frequency). This variant has not been reported in the literature in individuals affected with XYLT2-related conditions. ClinVar contains an entry for this variant (Variation ID: 2102358). Invitae Evidence Modeling of protein sequence and biophysical properties (such as structural, functional, and spatial information, amino acid conservation, physicochemical variation, residue mobility, and thermodynamic stability) indicates that this missense variant is expected to disrupt XYLT2 protein function with a positive predictive value of 80%. In summary, the available evidence is currently insufficient to determine the role of this variant in disease. Therefore, it has been classified as a Variant of Uncertain Significance.

NM_022167.4(XYLT2):c.793C>T (p.His265Tyr)

Gene: XYLT2 (xylosyltransferase 2; plus strand). Cytogenetic location: 17q21.33.
Variant type: single nucleotide variant.
Coding change: c.793C>T on transcript NM_022167.4 (MANE Select); coding-DNA position 793, C replaced by T.
Protein change: p.His265Tyr; replaces histidine 265 with tyrosine.
Molecular consequence: missense variant.
Genome position (GRCh38, 1-based): chr17:50,354,572, C>T. VCF-style: chr17-50354572-C-T. GRCh37 (hg19) VCF-style: chr17-48431933-C-T.
Other names: short protein forms H265Y.
Identifiers: ClinVar variation 2102358 (VCV002102358.4), dbSNP rs1382213550, ClinGen allele CA400201413.